The following is an entry in ClinVar:

NM_004369.4(COL6A3):c.7259G>A (p.Arg2420Gln)

Gene: COL6A3 (collagen type VI alpha 3 chain; minus strand). Cytogenetic location: 2q37.3.
Variant type: single nucleotide variant.
Coding change: c.7259G>A on transcript NM_004369.4 (MANE Select); coding-DNA position 7259, G replaced by A.
Protein change: p.Arg2420Gln; replaces arginine 2420 with glutamine.
Molecular consequence: missense variant.
Genome position (GRCh38, 1-based): chr2:237,344,759, C>T on the plus strand (G>A on the coding strand, the complement: COL6A3 is on the minus strand). VCF-style: chr2-237344759-C-T. GRCh37 (hg19) VCF-style: chr2-238253402-C-T.
Other names: c.5438G>A, p.Arg1813Gln (NM_057166.5); c.6641G>A, p.Arg2214Gln (NM_057167.4); short protein forms R1813Q, R2420Q, R2214Q.
Identifiers: ClinVar variation 943713 (VCV000943713.12), dbSNP rs772077690, ClinGen allele CA2187841.

ClinVar aggregate classification (germline): Conflicting classifications of pathogenicity. Review status: criteria provided, conflicting classifications (1 of 4 stars). 3 submissions from 3 submitters: Uncertain significance (2); Benign (1). Last evaluated 2025-11-11.

Conditions:
Inborn genetic diseases. Identifiers: MedGen C0950123, MeSH D030342.
Bethlem myopathy 1A. Also called: Bethlem Muscular Dystrophy; MYOPATHY, BENIGN CONGENITAL, WITH CONTRACTURES; Bethlem myopathy 1. Identifiers: Orphanet 610, MedGen CN029274, MONDO:0024530, OMIM 158810.

Allele frequency attached by ClinVar (database versions not stated): TOPMed 0.00001; gnomAD 0.00002; ExAC 0.00003; gnomAD exomes 0.00003.
gnomAD v4.1: 23 of 1,600,892 alleles (0.0014%); highest among the groups gnomAD compares: East Asian, 0.025%; no homozygotes.

Submissions (3):

Labcorp Genetics (formerly Invitae), Labcorp
Classification: Benign for Bethlem myopathy 1A. Last evaluated: 2025-11-11. Review status: criteria provided, single submitter. Criteria: Invitae Variant Classification Sherloc (09022015). Collection method: clinical testing. Allele origin: germline.

Ambry Genetics
Classification: Uncertain significance for Inborn genetic diseases. Last evaluated: 2024-08-28. Review status: criteria provided, single submitter. Criteria: Ambry Variant Classification Scheme 2023. Collection method: clinical testing. Allele origin: germline.

GeneDx
Classification: Uncertain significance. Last evaluated: 2021-09-28. Review status: criteria provided, single submitter. Criteria: GeneDx Variant Classification Process June 2021. Collection method: clinical testing. Allele origin: germline. Affected: yes.
Comment: In silico analysis supports that this missense variant has a deleterious effect on protein structure/function; Has not been previously published as pathogenic or benign to our knowledge